The following is an entry in ClinVar:

ClinVar aggregate classification (germline): Uncertain significance (1 of 4 stars; one submission).

Conditions:
Inborn genetic diseases. Identifiers: MedGen C0950123, MeSH D030342.

Submission:

Ambry Genetics
Classification: Uncertain significance for Inborn genetic diseases. Last evaluated: 2024-04-01. Review status: criteria provided, single submitter. Criteria: Ambry Variant Classification Scheme 2023. Collection method: clinical testing. Allele origin: germline.
Comment: The p.D466E variant (also known as c.1398T>A), located in coding exon 10 of the BUB1B gene, results from a T to A substitution at nucleotide position 1398. The aspartic acid at codon 466 is replaced by glutamic acid, an amino acid with highly similar properties. This amino acid position is conserved. In addition, this alteration is predicted to be tolerated by in silico analysis. Based on the available evidence, the clinical significance of this alteration remains unclear.

NM_001211.6(BUB1B):c.1398T>A (p.Asp466Glu)

Gene: BUB1B (BUB1 mitotic checkpoint serine/threonine kinase B; plus strand). Cytogenetic location: 15q15.1.
Variant type: single nucleotide variant.
Coding change: c.1398T>A on transcript NM_001211.6 (MANE Select); coding-DNA position 1398, T replaced by A.
Protein change: p.Asp466Glu; replaces aspartic acid 466 with glutamic acid.
Molecular consequence: missense variant.
Genome position (GRCh38, 1-based): chr15:40,199,724, T>A. VCF-style: chr15-40199724-T-A. GRCh37 (hg19) VCF-style: chr15-40491925-T-A.
Other names: short protein forms D466E.
Identifiers: ClinVar variation 3262193 (VCV003262193.1).